The following is an entry in ClinVar:

ClinVar aggregate classification (germline): Pathogenic (1 of 4 stars; one submission).

Conditions:
Curry-Hall syndrome (WAD). Also called: WEYERS ACRODENTAL DYSOSTOSIS. Identifiers: Orphanet 952, MedGen C0457013, MONDO:0008673, OMIM 193530.
Ellis-van Creveld syndrome (EVC). Also called: EVC-Related Ellis-van Creveld Syndrome; EVC2-Related Ellis-van Creveld Syndrome; MESOECTODERMAL DYSPLASIA; Chondroectodermal dysplasia. Identifiers: Orphanet 289, MedGen C0013903, MONDO:0009162, OMIM 225500.

Submission:

Labcorp Genetics (formerly Invitae), Labcorp
Classification: Pathogenic for Curry-Hall syndrome; Ellis-van Creveld syndrome. Last evaluated: 2024-03-04. Review status: criteria provided, single submitter. Criteria: Invitae Variant Classification Sherloc (09022015). Collection method: clinical testing. Allele origin: germline.
Comment: This sequence change creates a premature translational stop signal (p.Glu700*) in the EVC gene. It is expected to result in an absent or disrupted protein product. Loss-of-function variants in EVC are known to be pathogenic (PMID: 23220543). This variant is not present in population databases (gnomAD no frequency). This variant has not been reported in the literature in individuals affected with EVC-related conditions. Algorithms developed to predict the effect of sequence changes on RNA splicing suggest that this variant may create or strengthen a splice site. For these reasons, this variant has been classified as Pathogenic.

Literature cited by the submitters: PubMed 23220543.

NM_153717.3(EVC):c.2098G>T (p.Glu700Ter)

Gene: EVC (EvC ciliary complex subunit 1; plus strand). Cytogenetic location: 4p16.2.
Variant type: single nucleotide variant.
Coding change: c.2098G>T on transcript NM_153717.3 (MANE Select); coding-DNA position 2098, G replaced by T.
Protein change: p.Glu700Ter; replaces glutamic acid 700 with a stop codon.
Molecular consequence: nonsense.
Genome position (GRCh38, 1-based): chr4:5,798,586, G>T. VCF-style: chr4-5798586-G-T. GRCh37 (hg19) VCF-style: chr4-5800313-G-T.
Other names: c.2098G>T, p.Glu700Ter (NM_001306090.2); short protein forms E700*.
Identifiers: ClinVar variation 3755095 (VCV003755095.2).
Genomic context (GRCh38, chr4:5,798,586, plus strand): 5'-GGCCAGAGCTTCTCTGTGAGAGGAGCACTTGGCCCCTGCTCCCAGTCCTTTCCCTCCCAG[G>T]AGGCGCGTGTGCTGGAGGAGGCCAGCCGGCTAGAGGAGGAAGCACAGCAGACACGGCTGC-3'